The following is an entry in ClinVar:

NM_001943.5(DSG2):c.2242G>T (p.Ala748Ser)

Genes: DSG2 (desmoglein 2; plus strand), DSG2-AS1 (DSG2 antisense RNA 1; minus strand). Cytogenetic location: 18q12.1.
Variant type: single nucleotide variant.
Coding change: c.2242G>T on transcript NM_001943.5 (MANE Select); coding-DNA position 2242, G replaced by T.
Protein change: p.Ala748Ser; replaces alanine 748 with serine.
Molecular consequence: missense variant.
Genome position (GRCh38, 1-based): chr18:31,542,760, G>T. VCF-style: chr18-31542760-G-T. GRCh37 (hg19) VCF-style: chr18-29122723-G-T.
Other names: c.2242G>T (LRG_397t1); short protein forms A748S.
Identifiers: ClinVar variation 452916 (VCV000452916.15), dbSNP rs763994831, ClinGen allele CA402142739.

ClinVar aggregate classification (germline): Conflicting classifications of pathogenicity. Review status: criteria provided, conflicting classifications (1 of 4 stars). 4 submissions from 4 submitters: Uncertain significance (3); Likely benign (1). Last evaluated 2025-12-10.

Conditions:
Arrhythmogenic right ventricular dysplasia 10. Also called: Arrhythmogenic Right Ventricular Dysplasia/Cardiomyopathy10; ARRHYTHMOGENIC RIGHT VENTRICULAR DYSPLASIA, FAMILIAL, 10; Arrhythmogenic right ventricular dysplasia/cardiomyopathy, type 10. Identifiers: MedGen C1857777, MONDO:0012434, OMIM 610193.
Cardiomyopathy (CMYO). Also called: Cardiomyopathies. Identifiers: Orphanet 167848, MedGen C0878544, MONDO:0004994, HP:0001638. Inheritance: Various modes of inheritance.
Cardiovascular phenotype. Identifiers: MedGen CN230736.

Allele frequency attached by ClinVar (database versions not stated): TOPMed 0.00002.
gnomAD v4.1: 10 of 1,613,720 alleles (0.00062%); highest among the groups gnomAD compares: African/African-American, 0.0027%; no homozygotes.

Submissions (4):

Ambry Genetics
Classification: Likely benign for Cardiovascular phenotype. Last evaluated: 2025-12-10. Review status: criteria provided, single submitter. Criteria: Ambry Variant Classification Scheme 2023. Collection method: clinical testing. Allele origin: germline.

Labcorp Genetics (formerly Invitae), Labcorp
Classification: Uncertain significance for Arrhythmogenic right ventricular dysplasia 10. Last evaluated: 2025-09-29. Review status: criteria provided, single submitter. Criteria: Invitae Variant Classification Sherloc (09022015). Collection method: clinical testing. Allele origin: germline.
Comment: This sequence change replaces alanine, which is neutral and non-polar, with serine, which is neutral and polar, at codon 748 of the DSG2 protein (p.Ala748Ser). This variant is present in population databases (no rsID available, gnomAD 0.0009%). This variant has not been reported in the literature in individuals affected with DSG2-related conditions. ClinVar contains an entry for this variant (Variation ID: 452916). Invitae Evidence Modeling of protein sequence and biophysical properties (such as structural, functional, and spatial information, amino acid conservation, physicochemical variation, residue mobility, and thermodynamic stability) indicates that this missense variant is not expected to disrupt DSG2 protein function with a negative predictive value of 95%. In summary, the available evidence is currently insufficient to determine the role of this variant in disease. Therefore, it has been classified as a Variant of Uncertain Significance.

Color Diagnostics, LLC DBA Color Health
Classification: Uncertain significance for Cardiomyopathy. Last evaluated: 2025-06-29. Review status: criteria provided, single submitter. Criteria: ACMG Guidelines, 2015. Collection method: clinical testing. Allele origin: germline.
Comment: This missense variant replaces alanine with serine at codon 748 of the DSG2 protein. Computational prediction suggests that this variant may not impact protein structure and function. To our knowledge, functional studies have not been reported for this variant. This variant has not been reported in individuals affected with DSG2-related disorders in the literature. This variant has been identified in 2/249158 chromosomes in the general population by the Genome Aggregation Database (gnomAD). The available evidence is insufficient to determine the role of this variant in disease conclusively. Therefore, this variant is classified as a Variant of Uncertain Significance.

GeneDx
Classification: Uncertain significance. Last evaluated: 2017-10-24. Review status: criteria provided, single submitter. Criteria: GeneDx Variant Classification (06012015). Collection method: clinical testing. Allele origin: germline. Affected: yes.
Comment: A variant of uncertain significance has been identified in the DSG2 gene. The A748S variant has not been published as pathogenic or been reported as benign to our knowledge. This variant is also not observed at a significant frequency in large population cohorts (Lek et al., 2016). The A748S variant is a non-conservative amino acid substitution, which is likely to impact secondary protein structure as these residues differ in polarity, charge, size and/or other properties. However, this substitution occurs at a position that is not conserved across species, and serine (S) is the wild-type residue at this position in at least two species. Additionally, in silico analysis predicts this variant likely does not alter the protein structure/function.